The following is an entry in ClinVar:

NM_015072.5(TTLL5):c.1906A>C (p.Lys636Gln)

Gene: TTLL5 (tubulin tyrosine ligase like 5; plus strand). Cytogenetic location: 14q24.3.
Variant type: single nucleotide variant.
Coding change: c.1906A>C on transcript NM_015072.5 (MANE Select); coding-DNA position 1906, A replaced by C.
Protein change: p.Lys636Gln; replaces lysine 636 with glutamine.
Molecular consequence: missense variant.
Genome position (GRCh38, 1-based): chr14:75,766,259, A>C. VCF-style: chr14-75766259-A-C. GRCh37 (hg19) VCF-style: chr14-76232602-A-C.
Other names: short protein forms K636Q.
Identifiers: ClinVar variation 1044872 (VCV001044872.8), dbSNP rs760885007, ClinGen allele CA390467495.

ClinVar aggregate classification (germline): Uncertain significance (1 of 4 stars; one submission).

Allele frequency attached by ClinVar (database versions not stated): TOPMed 0.00002.
gnomAD v4.1: 8 of 1,614,004 alleles (0.0005%); highest among the groups gnomAD compares: Non-Finnish European, 0.00068%; no homozygotes.

Submission:

Labcorp Genetics (formerly Invitae), Labcorp
Classification: Uncertain significance. Last evaluated: 2020-03-06. Review status: criteria provided, single submitter. Criteria: Invitae Variant Classification Sherloc (09022015). Collection method: clinical testing. Allele origin: germline.
Comment: This sequence change replaces lysine with glutamine at codon 636 of the TTLL5 protein (p.Lys636Gln). The lysine residue is moderately conserved and there is a small physicochemical difference between lysine and glutamine. This variant is not present in population databases (ExAC no frequency). This variant has not been reported in the literature in individuals with TTLL5-related conditions. Algorithms developed to predict the effect of missense changes on protein structure and function (SIFT, PolyPhen-2, Align-GVGD) all suggest that this variant is likely to be tolerated, but these predictions have not been confirmed by published functional studies and their clinical significance is uncertain. In summary, the available evidence is currently insufficient to determine the role of this variant in disease. Therefore, it has been classified as a Variant of Uncertain Significance.